The following is an entry in ClinVar:

ClinVar aggregate classification (germline): Pathogenic/Likely pathogenic. Review status: criteria provided, multiple submitters, no conflicts (2 of 4 stars). 6 submissions from 3 submitters: Pathogenic (1); Likely pathogenic (5). Last evaluated 2025-03-28.

Conditions:
Myopathy, myosin storage, autosomal recessive (CMYO7B). Also called: CONGENITAL MYOPATHY 7B, MYOSIN STORAGE, AUTOSOMAL RECESSIVE. Identifiers: Orphanet 636970, MedGen C1850709, MONDO:0009708, OMIM 255160.
Hypertrophic cardiomyopathy 1 (CMH1). Also called: Familial hypertrophic cardiomyopathy 1; MYH7-Related Familial Hypertrophic Cardiomyopathy. Identifiers: MedGen C3495498, MONDO:0008647, OMIM 192600.
MYH7-related skeletal myopathy. Also called: MYOPATHY, DISTAL, EARLY-ONSET, AUTOSOMAL DOMINANT; MYOPATHY, LATE DISTAL HEREDITARY; Laing distal myopathy; Laing early-onset distal myopathy; Myopathy, distal, 1. Identifiers: Orphanet 59135, MedGen C4552004, MONDO:0008050, OMIM 160500.
Dilated cardiomyopathy 1S (CMD1S). Identifiers: Orphanet 154, Orphanet 54260, MedGen C1834481, MONDO:0013262, OMIM 613426.
Hypertrophic cardiomyopathy. Also called: HYPERTROPHIC MYOCARDIOPATHY. Identifiers: Orphanet 217569, MedGen C0007194, MeSH D002312, MONDO:0005045, HP:0001639.

Submissions (6):

Revvity Omics, Revvity
Classification: Likely pathogenic. Last evaluated: 2025-03-28. Review status: criteria provided, single submitter. Criteria: ACMG Guidelines, 2015. Collection method: clinical testing. Allele origin: germline.

Labcorp Genetics (formerly Invitae), Labcorp
Classification: Pathogenic for Hypertrophic cardiomyopathy. Last evaluated: 2024-12-17. Review status: criteria provided, single submitter. Criteria: Invitae Variant Classification Sherloc (09022015). Collection method: clinical testing. Allele origin: germline.
Comment: This sequence change replaces alanine, which is neutral and non-polar, with proline, which is neutral and non-polar, at codon 1437 of the MYH7 protein (p.Ala1437Pro). This variant is not present in population databases (gnomAD no frequency). This missense change has been observed in individual(s) with MYH7-related conditions (PMID: 27519903). It has also been observed to segregate with disease in related individuals. ClinVar contains an entry for this variant (Variation ID: 2671917). Invitae Evidence Modeling of protein sequence and biophysical properties (such as structural, functional, and spatial information, amino acid conservation, physicochemical variation, residue mobility, and thermodynamic stability) indicates that this missense variant is expected to disrupt MYH7 protein function with a positive predictive value of 95%. Experimental studies have shown that this missense change affects MYH7 function (PMID: 27519903). For these reasons, this variant has been classified as Pathogenic.

Baylor Genetics
Classification: Likely pathogenic for MYH7-related skeletal myopathy. Last evaluated: 2023-11-01. Review status: criteria provided, single submitter. Criteria: ACMG Guidelines, 2015. Collection method: clinical testing. Allele origin: unknown.

Baylor Genetics
Classification: Likely pathogenic for Dilated cardiomyopathy 1S. Last evaluated: 2023-11-01. Review status: criteria provided, single submitter. Criteria: ACMG Guidelines, 2015. Collection method: clinical testing. Allele origin: unknown.

Baylor Genetics
Classification: Likely pathogenic for Hypertrophic cardiomyopathy 1. Last evaluated: 2023-11-01. Review status: criteria provided, single submitter. Criteria: ACMG Guidelines, 2015. Collection method: clinical testing. Allele origin: unknown.

Baylor Genetics
Classification: Likely pathogenic for Myopathy, myosin storage, autosomal recessive. Last evaluated: 2023-11-01. Review status: criteria provided, single submitter. Criteria: ACMG Guidelines, 2015. Collection method: clinical testing. Allele origin: unknown.

Literature cited by the submitters: PubMed 27519903 (cited by Labcorp Genetics (formerly Invitae), Labcorp).

NM_000257.4(MYH7):c.4309G>C (p.Ala1437Pro)

Genes: MHRT (myosin heavy chain associated RNA transcript; plus strand), MYH7 (myosin heavy chain 7; minus strand). Cytogenetic location: 14q11.2.
Variant type: single nucleotide variant.
Coding change: c.4309G>C on transcript NM_000257.4 (MANE Select); coding-DNA position 4309, G replaced by C.
Protein change: p.Ala1437Pro; replaces alanine 1437 with proline.
Molecular consequence: missense variant. On other transcripts: non-coding transcript variant (1).
Genome position (GRCh38, 1-based): chr14:23,417,547, C>G on the plus strand (G>C on the coding strand, the complement: MYH7 is on the minus strand). VCF-style: chr14-23417547-C-G. GRCh37 (hg19) VCF-style: chr14-23886756-C-G.
Other names: c.4309G>C, p.Ala1437Pro (NM_001407004.1); short protein forms A1437P.
Identifiers: ClinVar variation 2671917 (VCV002671917.4), dbSNP rs2502251571, ClinGen allele CA389040144.